The following is an entry in ClinVar:

ClinVar aggregate classification (germline): Likely benign (0 of 4 stars; one submission).

Conditions:
MKKS-related disorder. Also called: MKKS-related condition; MKKS-related disorders.

Submission:

PreventionGenetics, part of Exact Sciences
Classification: Likely benign for MKKS-related condition. Last evaluated: 2021-07-23. Review status: no assertion criteria provided. Collection method: clinical testing. Allele origin: germline.
Comment: This variant is classified as likely benign based on ACMG/AMP sequence variant interpretation guidelines (Richards et al. 2015 PMID: 25741868, with internal and published modifications).

NM_170784.3(MKKS):c.345T>C (p.Thr115=)

Gene: MKKS (MKKS centrosomal shuttling protein; minus strand). Cytogenetic location: 20p12.2.
Variant type: single nucleotide variant.
Coding change: c.345T>C on transcript NM_170784.3 (MANE Select); coding-DNA position 345, T replaced by C.
Protein change: p.Thr115=; no amino-acid change (threonine 115 retained).
Molecular consequence: synonymous variant.
Genome position (GRCh38, 1-based): chr20:10,413,170, A>G on the plus strand (T>C on the coding strand, the complement: MKKS is on the minus strand). VCF-style: chr20-10413170-A-G. GRCh37 (hg19) VCF-style: chr20-10393818-A-G.
Other names: c.345T>C, p.Thr115= (NM_018848.3).
Identifiers: ClinVar variation 3357347 (VCV003357347.1).
Genomic context (GRCh38, chr20:10,413,170, plus strand): 5'-GGTCTCAGACTTGAGATAACTGATGCAAAGACTCAAAAGATGTTTATTTAATCTAATGAC[A>G]GTGGTGGGTGTCAAGCCTAATCTCTGAACATTTTCAATCAGGTTGCAGCAAAGAATAGCT-3'
Protein context (NP_740754.1, residues 105-125): NVQRLGLTPT[Thr115=]VIRLNKHLLS